The following is an entry in ClinVar:

NM_001918.5(DBT):c.555dup (p.Ile186fs)

Gene: DBT (dihydrolipoamide branched chain transacylase E2; minus strand). Cytogenetic location: 1p21.2.
Variant type: Duplication.
Coding change: c.555dup on transcript NM_001918.5 (MANE Select); coding-DNA position 555, one base duplicated (T; older notation c.555dupT).
Protein change: p.Ile186fs; shifts the reading frame from isoleucine 186.
Molecular consequence: frameshift variant. On other transcripts: non-coding transcript variant (4).
Genome position (GRCh38, 1-based): chr1:100,218,626, A duplicated on the plus strand (T on the coding strand, the reverse complement: DBT is on the minus strand). VCF-style (leftmost placement, unchanged base first): chr1-100218625-C-CA. GRCh37 (hg19) VCF-style: chr1-100684181-C-CA.
Other names: c.12dup, p.Ile5fs (NM_001399969.1, NM_001399972.1); short protein forms I186fs, I5fs.
Identifiers: ClinVar variation 2745357 (VCV002745357.3), dbSNP rs2524164373, ClinGen allele CA2697552567.
Genomic context (GRCh38, chr1:100,218,625, plus strand): 5'-TTCAGAGATACAAATGTACACTTCCTATACAATCTCAGACTTAAATATTAAGAGAACTTA[C>CA]ATTGTTTTCCATTGCCAGACGGCGAACTGCAGGAGTTGCCAGTGTTTTTCGGCCCTTTAT-3'

ClinVar aggregate classification (germline): Pathogenic (1 of 4 stars; one submission).

Conditions:
Maple syrup urine disease (MSUD). Identifiers: Orphanet 511, MedGen C0024776, MeSH D008375, MONDO:0009563. Disease mechanism: loss of function.

Submission:

Labcorp Genetics (formerly Invitae), Labcorp
Classification: Pathogenic for Maple syrup urine disease. Last evaluated: 2023-08-14. Review status: criteria provided, single submitter. Criteria: Invitae Variant Classification Sherloc (09022015). Collection method: clinical testing. Allele origin: germline.
Comment: This variant is not present in population databases (gnomAD no frequency). For these reasons, this variant has been classified as Pathogenic. Algorithms developed to predict the effect of sequence changes on RNA splicing suggest that this variant may disrupt the consensus splice site. This variant has not been reported in the literature in individuals affected with DBT-related conditions. This sequence change creates a premature translational stop signal (p.Ile186Tyrfs*2) in the DBT gene. It is expected to result in an absent or disrupted protein product. Loss-of-function variants in DBT are known to be pathogenic (PMID: 16579849, 16786533).

Literature cited by the submitters: PubMed 16579849; PubMed 16786533.